The following is an entry in ClinVar:

ClinVar aggregate classification (germline): Uncertain significance (1 of 4 stars; one submission).

Conditions:
Inborn genetic diseases. Identifiers: MedGen C0950123, MeSH D030342.

gnomAD v4.1: 1 of 1,613,778 alleles (0.000062%); highest among the groups gnomAD compares: Non-Finnish European, 0.000085%; no homozygotes.

Submission:

Ambry Genetics
Classification: Uncertain significance for Inborn genetic diseases. Last evaluated: 2026-06-13. Review status: criteria provided, single submitter. Criteria: Ambry Variant Classification Scheme 2023. Collection method: clinical testing. Allele origin: germline.
Comment: The p.K191E variant (also known as c.571A>G), located in coding exon 4 of the ANKRD26 gene, results from an A to G substitution at nucleotide position 571. The lysine at codon 191 is replaced by glutamic acid, an amino acid with similar properties. This amino acid position is conserved. In addition, this alteration is predicted to be tolerated by in silico analysis. Based on the available evidence, the clinical significance of this variant remains unclear.

NM_014915.3(ANKRD26):c.571A>G (p.Lys191Glu)

Gene: ANKRD26 (ankyrin repeat domain 26; minus strand). Cytogenetic location: 10p12.1.
Variant type: single nucleotide variant.
Coding change: c.571A>G on transcript NM_014915.3 (MANE Select); coding-DNA position 571, A replaced by G.
Protein change: p.Lys191Glu; replaces lysine 191 with glutamic acid.
Molecular consequence: missense variant.
Genome position (GRCh38, 1-based): chr10:27,092,473, T>C on the plus strand (A>G on the coding strand, the complement: ANKRD26 is on the minus strand). VCF-style: chr10-27092473-T-C. GRCh37 (hg19) VCF-style: chr10-27381402-T-C.
Other names: c.571A>G, p.Lys191Glu (NM_001256053.2); short protein forms K191E.
Identifiers: ClinVar variation 4860056 (VCV004860056.1).
Genomic context (GRCh38, chr10:27,092,473, plus strand): 5'-ACTTATCTACTGCATTTACATTTGCTTTTTTCTTTATTAAAAATTCCACCATTTGCTGCT[T>C]TTTTCCACTTACTGCAAGTAAAAGTGGTGTGAGGTCATCCTGTAAGACAGCAAAAACAAG-3'
Protein context (NP_055730.2, residues 181-201): TPLLLAVSGK[Lys191Glu]QQMVEFLIKK